The following is an entry in ClinVar:

ClinVar aggregate classification (germline): Conflicting classifications of pathogenicity. Review status: criteria provided, conflicting classifications (1 of 4 stars). 2 submissions from 2 submitters: Uncertain significance (1); Likely benign (1). Last evaluated 2025-04-26.

Allele frequency attached by ClinVar (database versions not stated): gnomAD exomes 0.00001; ExAC 0.00004; gnomAD 0.00009; TOPMed 0.00010; ESP Exome Variant Server 0.00023.

Submissions (2):

Labcorp Genetics (formerly Invitae), Labcorp
Classification: Uncertain significance. Last evaluated: 2025-04-26. Review status: criteria provided, single submitter. Criteria: Invitae Variant Classification Sherloc (09022015). Collection method: clinical testing. Allele origin: germline.
Comment: This sequence change replaces threonine, which is neutral and polar, with isoleucine, which is neutral and non-polar, at codon 19 of the PPM1F protein (p.Thr19Ile). This variant is present in population databases (rs148178922, gnomAD 0.04%). This variant has not been reported in the literature in individuals affected with PPM1F-related conditions. ClinVar contains an entry for this variant (Variation ID: 2456170). An algorithm developed to predict the effect of missense changes on protein structure and function outputs the following: PolyPhen-2: "Benign". The isoleucine amino acid residue is found in multiple mammalian species, which suggests that this missense change does not adversely affect protein function. In summary, the available evidence is currently insufficient to determine the role of this variant in disease. Therefore, it has been classified as a Variant of Uncertain Significance.

Ambry Genetics
Classification: Likely benign. Last evaluated: 2023-01-23. Review status: criteria provided, single submitter. Criteria: Ambry Variant Classification Scheme 2023. Collection method: clinical testing. Allele origin: germline.

NM_014634.4(PPM1F):c.56C>T (p.Thr19Ile)

Gene: PPM1F (protein phosphatase, Mg2+/Mn2+ dependent 1F; minus strand). Cytogenetic location: 22q11.22.
Variant type: single nucleotide variant.
Coding change: c.56C>T on transcript NM_014634.4 (MANE Select); coding-DNA position 56, C replaced by T.
Protein change: p.Thr19Ile; replaces threonine 19 with isoleucine.
Molecular consequence: missense variant. On other transcripts: intron variant (1).
Genome position (GRCh38, 1-based): chr22:21,945,993, G>A on the plus strand (C>T on the coding strand, the complement: PPM1F is on the minus strand). VCF-style: chr22-21945993-G-A. GRCh37 (hg19) VCF-style: chr22-22300365-G-A.
Other names: c.-298-6313C>T (NM_001410836.1); short protein forms T19I.
Identifiers: ClinVar variation 2456170 (VCV002456170.3), dbSNP rs148178922, ClinGen allele CA10125213.
Genomic context (GRCh38, chr22:21,945,993, plus strand): 5'-GGGTCCTCTGGGTTCAGCAGGGCTGGGAAGTCTTGCAGGAGCGTGTCCAGGAAGCCTGGG[G>A]TCTCCTCAGCTCCACTGGCCATTGGGCTGCTCTTCTGTGGGGCTCCAGAGGACATGCCCA-3'
Protein context (NP_055449.1, residues 9-29): SSPMASGAEE[Thr19Ile]PGFLDTLLQD